The following is an entry in ClinVar:

NM_006445.4(PRPF8):c.1514A>G (p.Asn505Ser)

Gene: PRPF8 (pre-mRNA processing factor 8; minus strand). Cytogenetic location: 17p13.3.
Variant type: single nucleotide variant.
Coding change: c.1514A>G on transcript NM_006445.4 (MANE Select); coding-DNA position 1514, A replaced by G.
Protein change: p.Asn505Ser; replaces asparagine 505 with serine.
Molecular consequence: missense variant.
Genome position (GRCh38, 1-based): chr17:1,679,102, T>C on the plus strand (A>G on the coding strand, the complement: PRPF8 is on the minus strand). VCF-style: chr17-1679102-T-C. GRCh37 (hg19) VCF-style: chr17-1582396-T-C.
Other names: short protein forms N505S.
Identifiers: ClinVar variation 4744022 (VCV004744022.1).

ClinVar aggregate classification (germline): Uncertain significance (1 of 4 stars; one submission).

gnomAD v4.1: 2 of 1,614,162 alleles (0.00012%); highest among the groups gnomAD compares: Non-Finnish European, 0.00017%; no homozygotes.

Submission:

Labcorp Genetics (formerly Invitae), Labcorp
Classification: Uncertain significance. Last evaluated: 2025-04-08. Review status: criteria provided, single submitter. Criteria: Invitae Variant Classification Sherloc (09022015). Collection method: clinical testing. Allele origin: germline.
Comment: This sequence change replaces asparagine, which is neutral and polar, with serine, which is neutral and polar, at codon 505 of the PRPF8 protein (p.Asn505Ser). This variant is not present in population databases (gnomAD no frequency). This variant has not been reported in the literature in individuals affected with PRPF8-related conditions. Invitae Evidence Modeling of protein sequence and biophysical properties (such as structural, functional, and spatial information, amino acid conservation, physicochemical variation, residue mobility, and thermodynamic stability) indicates that this missense variant is not expected to disrupt PRPF8 protein function with a negative predictive value of 80%. In summary, the available evidence is currently insufficient to determine the role of this variant in disease. Therefore, it has been classified as a Variant of Uncertain Significance.